The following is an entry in ClinVar:

NM_001009944.3(PKD1):c.8399C>T (p.Pro2800Leu)

Gene: PKD1 (polycystin 1, transient receptor potential channel interacting; minus strand). Cytogenetic location: 16p13.3.
Variant type: single nucleotide variant.
Coding change: c.8399C>T on transcript NM_001009944.3 (MANE Select); coding-DNA position 8399, C replaced by T.
Protein change: p.Pro2800Leu; replaces proline 2800 with leucine.
Molecular consequence: missense variant.
Genome position (GRCh38, 1-based): chr16:2,103,658, G>A on the plus strand (C>T on the coding strand, the complement: PKD1 is on the minus strand). VCF-style: chr16-2103658-G-A. GRCh37 (hg19) VCF-style: chr16-2153659-G-A.
Other names: c.8399C>T, p.Pro2800Leu (NM_000296.4); short protein forms P2800L.
Identifiers: ClinVar variation 1723626 (VCV001723626.3), dbSNP rs2544744928, ClinGen allele CA394364194.

ClinVar aggregate classification (germline): Uncertain significance. Review status: criteria provided, multiple submitters, no conflicts (2 of 4 stars). 2 submissions from 2 submitters: Uncertain significance (2). Last evaluated 2025-07-24.

Conditions:
PKD1-related disorder. Also called: PKD1-related condition.

Allele frequency attached by ClinVar (database versions not stated): gnomAD exomes below 0.00001.
gnomAD v4.1: 2 of 1,610,310 alleles (0.00012%); highest among the groups gnomAD compares: Non-Finnish European, 0.00017%; no homozygotes.

Submissions (2):

PreventionGenetics, part of Exact Sciences
Classification: Uncertain significance for PKD1-related condition. Last evaluated: 2025-07-24. Review status: criteria provided, single submitter. Criteria: ACMG Guidelines, 2015. Collection method: clinical testing. Allele origin: germline.
Comment: The PKD1 c.8399C>T variant is predicted to result in the amino acid substitution p.Pro2800Leu. To our knowledge, this variant has not been reported in the literature or in a large population database (gnomAD), indicating this variant is rare. At this time, the clinical significance of this variant is uncertain due to the absence of conclusive functional and genetic evidence.

GeneDx
Classification: Uncertain significance. Last evaluated: 2022-10-31. Review status: criteria provided, single submitter. Criteria: GeneDx Variant Classification Process June 2021. Collection method: clinical testing. Allele origin: germline. Affected: yes.
Comment: Not observed in large population cohorts (gnomAD); In silico analysis supports that this missense variant does not alter protein structure/function; Has not been previously published as pathogenic or benign to our knowledge